The following is an entry in ClinVar:

NM_001080453.3(INTS1):c.4969C>T (p.Arg1657Cys)

Gene: INTS1 (integrator complex subunit 1; minus strand). Cytogenetic location: 7p22.3.
Variant type: single nucleotide variant.
Coding change: c.4969C>T on transcript NM_001080453.3 (MANE Select); coding-DNA position 4969, C replaced by T.
Protein change: p.Arg1657Cys; replaces arginine 1657 with cysteine.
Molecular consequence: missense variant.
Genome position (GRCh38, 1-based): chr7:1,476,888, G>A on the plus strand (C>T on the coding strand, the complement: INTS1 is on the minus strand). VCF-style: chr7-1476888-G-A. GRCh37 (hg19) VCF-style: chr7-1516524-G-A.
Other names: c.1486C>T, p.Arg496Cys (NM_015674.1); short protein forms R1657C, R496C.
Identifiers: ClinVar variation 1804946 (VCV001804946.1), dbSNP rs760923660, ClinGen allele CA4118630.

ClinVar aggregate classification (germline): Uncertain significance (1 of 4 stars; one submission).

Conditions:
Neurodevelopmental disorder with cataracts, poor growth, and dysmorphic facies. Identifiers: MedGen C5231414, MONDO:0032817, OMIM 618571.

Submission:

Victorian Clinical Genetics Services, Murdoch Childrens Research Institute
Classification: Uncertain significance for Neurodevelopmental disorder with cataracts, poor growth, and dysmorphic facies. Last evaluated: 2021-05-06. Review status: criteria provided, single submitter. Criteria: ACMG Guidelines, 2015. Collection method: clinical testing. Allele origin: germline. Inheritance: Autosomal recessive inheritance.
Comment: Based on the classification scheme VCGS_Germline_v1.3.4, this variant is classified as VUS-3B. Following criteria are met: 0102 - Loss of function is a known mechanism of disease in this gene and is associated with neurodevelopmental disorder with cataracts, poor growth, and dysmorphic facies (MIM#618571). (I) 0106 - This gene is associated with autosomal recessive disease. (I) 0200 - Variant is predicted to result in a missense amino acid change from arginine to cysteine. (I) 0251 - This variant is heterozygous. (I) 0304 - Variant is present in gnomAD (v2) <0.01 for a recessive condition (19 heterozygotes, 0 homozygotes). (SP) 0309 - Alternative amino acid changes at the same position have been observed in gnomAD (v2) (20 heterozygotes, 0 homozygotes). (I) 0501 - Missense variant consistently predicted to be damaging by multiple in silico tools or highly conserved with a major amino acid change. (SP) 0604 - Variant is not located in an established domain, motif, hotspot or informative constraint region. (I) 0705 - No comparable missense variants have previous evidence for pathogenicity. (I) 0807 - This variant has no previous evidence of pathogenicity. (I) 0905 - No published segregation evidence has been identified for this variant. (I) 1007 - No published functional evidence has been identified for this variant. (I) Legend: (SP) - Supporting pathogenic, (I) - Information, (SB) - Supporting benign